The following is an entry in ClinVar:

ClinVar aggregate classification (germline): Uncertain significance (0 of 4 stars; one submission).

Conditions:
UNC45B-related disorder. Also called: UNC45B-related condition.

Allele frequency attached by ClinVar (database versions not stated): gnomAD exomes below 0.00001; TOPMed below 0.00001.
gnomAD v4.1: 2 of 1,613,164 alleles (0.00012%); highest among the groups gnomAD compares: East Asian, 0.0022%; no homozygotes.

Submission:

PreventionGenetics, part of Exact Sciences
Classification: Uncertain significance for UNC45B-related condition. Last evaluated: 2024-02-23. Review status: no assertion criteria provided. Collection method: clinical testing. Allele origin: germline.
Comment: The UNC45B c.992T>A variant is predicted to result in the amino acid substitution p.Ile331Asn. To our knowledge, this variant has not been reported in the literature or in a large population database, indicating this variant is rare. At this time, the clinical significance of this variant is uncertain due to the absence of conclusive functional and genetic evidence.

NM_001267052.2(UNC45B):c.992T>A (p.Ile331Asn)

Gene: UNC45B (unc-45 myosin chaperone B; plus strand). Cytogenetic location: 17q12.
Variant type: single nucleotide variant.
Coding change: c.992T>A on transcript NM_001267052.2 (MANE Select); coding-DNA position 992, T replaced by A.
Protein change: p.Ile331Asn; replaces isoleucine 331 with asparagine.
Molecular consequence: missense variant.
Genome position (GRCh38, 1-based): chr17:35,164,007, T>A. VCF-style: chr17-35164007-T-A. GRCh37 (hg19) VCF-style: chr17-33491026-T-A.
Other names: c.992T>A, p.Ile331Asn (NM_001033576.2, NM_001308281.1, NM_173167.3); short protein forms I331N.
Identifiers: ClinVar variation 2629841 (VCV002629841.3), dbSNP rs1369699671, ClinGen allele CA399090460.